The following is an entry in ClinVar:

NM_012140.5(SLC25A10):c.165C>T (p.Asp55=)

Gene: SLC25A10 (solute carrier family 25 member 10; plus strand). Cytogenetic location: 17q25.3.
Variant type: single nucleotide variant.
Coding change: c.165C>T on transcript NM_012140.5 (MANE Select); coding-DNA position 165, C replaced by T.
Protein change: p.Asp55=; no amino-acid change (aspartic acid 55 retained).
Molecular consequence: synonymous variant.
Genome position (GRCh38, 1-based): chr17:81,715,024, C>T. VCF-style: chr17-81715024-C-T. GRCh37 (hg19) VCF-style: chr17-79682054-C-T.
Other names: c.165C>T, p.Asp55= (NM_001270888.2, NM_001270953.2).
Identifiers: ClinVar variation 5038952 (VCV005038952.1).

ClinVar aggregate classification (germline): Likely benign (1 of 4 stars; one submission).

gnomAD v4.1: 97 of 1,610,050 alleles (0.006%); highest among the groups gnomAD compares: African/African-American, 0.029%; no homozygotes.

Submission:

CeGaT Center for Human Genetics Tuebingen
Classification: Likely benign. Last evaluated: 2026-08-01. Review status: criteria provided, single submitter. Criteria: CeGaT Center For Human Genetics Tuebingen Variant Classification Criteria Version 2. Collection method: clinical testing. Allele origin: germline. Affected: yes. Observed: 1 variant allele.
Comment: SLC25A10: BP4, BP7